The following is an entry in ClinVar:

ClinVar aggregate classification (germline): Uncertain significance (1 of 4 stars; one submission).

Conditions:
Encephalopathy, acute, infection-induced (herpes-specific), susceptibility to, 1. Also called: Herpes simplex encephalitis, susceptibility to, 1. Identifiers: Orphanet 1930, MedGen C2750180, MONDO:0024563, OMIM 610551.

Submission:

Labcorp Genetics (formerly Invitae), Labcorp
Classification: Uncertain significance for Encephalopathy, acute, infection-induced (herpes-specific), susceptibility to, 1. Last evaluated: 2024-12-16. Review status: criteria provided, single submitter. Criteria: Invitae Variant Classification Sherloc (09022015). Collection method: clinical testing. Allele origin: germline.
Comment: This sequence change replaces phenylalanine, which is neutral and non-polar, with leucine, which is neutral and non-polar, at codon 483 of the UNC93B1 protein (p.Phe483Leu). This variant is not present in population databases (gnomAD no frequency). This variant has not been reported in the literature in individuals affected with UNC93B1-related conditions. Experimental studies and prediction algorithms are not available or were not evaluated, and the functional significance of this variant is currently unknown. In summary, the available evidence is currently insufficient to determine the role of this variant in disease. Therefore, it has been classified as a Variant of Uncertain Significance.

NM_030930.4(UNC93B1):c.1447T>C (p.Phe483Leu)

Gene: UNC93B1 (unc-93B1 regulator of TLR signaling; minus strand). Cytogenetic location: 11q13.2.
Variant type: single nucleotide variant.
Coding change: c.1447T>C on transcript NM_030930.4 (MANE Select); coding-DNA position 1447, T replaced by C.
Protein change: p.Phe483Leu; replaces phenylalanine 483 with leucine.
Molecular consequence: missense variant.
Genome position (GRCh38, 1-based): chr11:67,993,711, A>G on the plus strand (T>C on the coding strand, the complement: UNC93B1 is on the minus strand). VCF-style: chr11-67993711-A-G. GRCh37 (hg19) VCF-style: chr11-67761182-A-G.
Other names: short protein forms F483L.
Identifiers: ClinVar variation 3727412 (VCV003727412.2).
Genomic context (GRCh38, chr11:67,993,711, plus strand): 5'-GGCCCCCAACCCTGCCCAGTCTCACCTTCATGTGCAGGCTCGAGCCCAGGTACACGGTGA[A>G]GATGGCCACAGCCTGCCACCAGTGGTAGATGGTGAAGATGAAGTCCTGTCTCTCCTTGTC-3'
Protein context (NP_112192.2, residues 473-493): IYHWWQAVAI[Phe483Leu]TVYLGSSLHM